The following is an entry in ClinVar:

NM_001352514.2(HLCS):c.2330C>T (p.Pro777Leu)

Gene: HLCS (holocarboxylase synthetase; minus strand). Cytogenetic location: 21q22.13.
Variant type: single nucleotide variant.
Coding change: c.2330C>T on transcript NM_001352514.2 (MANE Select); coding-DNA position 2330, C replaced by T.
Protein change: p.Pro777Leu; replaces proline 777 with leucine.
Molecular consequence: missense variant. On other transcripts: non-coding transcript variant (2).
Genome position (GRCh38, 1-based): chr21:36,756,662, G>A on the plus strand (C>T on the coding strand, the complement: HLCS is on the minus strand). VCF-style: chr21-36756662-G-A. GRCh37 (hg19) VCF-style: chr21-38128963-G-A.
Other names: c.1889C>T, p.Pro630Leu (NM_000411.8, NM_001242784.3, NM_001242785.2 and 4 more transcripts); short protein forms P777L, P630L.
Identifiers: ClinVar variation 2154344 (VCV002154344.1), dbSNP rs183302013, ClinGen allele CA320415750.

ClinVar aggregate classification (germline): Uncertain significance (1 of 4 stars; one submission).

Conditions:
Holocarboxylase synthetase deficiency. Also called: MULTIPLE CARBOXYLASE DEFICIENCY, EARLY ONSET. Identifiers: Orphanet 79242, MedGen C0268581, MONDO:0009666, OMIM 253270.

Allele frequency attached by ClinVar (database versions not stated): gnomAD 0.00001; 1000 Genomes Project 30x 0.00016; 1000 Genomes Project 0.00020.
gnomAD v4.1: 20 of 1,614,046 alleles (0.0012%); highest among the groups gnomAD compares: Middle Eastern, 0.016%; no homozygotes.

Submission:

Labcorp Genetics (formerly Invitae), Labcorp
Classification: Uncertain significance for Holocarboxylase synthetase deficiency. Last evaluated: 2022-07-15. Review status: criteria provided, single submitter. Criteria: Invitae Variant Classification Sherloc (09022015). Collection method: clinical testing. Allele origin: germline.
Comment: This sequence change replaces proline, which is neutral and non-polar, with leucine, which is neutral and non-polar, at codon 630 of the HLCS protein (p.Pro630Leu). This variant is present in population databases (rs183302013, gnomAD 0.003%). This variant has not been reported in the literature in individuals affected with HLCS-related conditions. Advanced modeling of protein sequence and biophysical properties (such as structural, functional, and spatial information, amino acid conservation, physicochemical variation, residue mobility, and thermodynamic stability) performed at Invitae indicates that this missense variant is not expected to disrupt HLCS protein function. In summary, the available evidence is currently insufficient to determine the role of this variant in disease. Therefore, it has been classified as a Variant of Uncertain Significance.